The following is an entry in ClinVar:

ClinVar aggregate classification (germline): Uncertain significance (1 of 4 stars; one submission).

Conditions:
Peutz-Jeghers syndrome (PJS). Also called: Peutz-Jeghers polyposis; Periorificial lentiginosis syndrome; POLYPOSIS, HAMARTOMATOUS INTESTINAL; POLYPS-AND-SPOTS SYNDROME. Identifiers: Orphanet 2869, MedGen C0031269, MeSH D010580, MONDO:0008280, OMIM 175200.

Submission:

Labcorp Genetics (formerly Invitae), Labcorp
Classification: Uncertain significance for Peutz-Jeghers syndrome. Last evaluated: 2018-04-25. Review status: criteria provided, single submitter. Criteria: Invitae Variant Classification Sherloc (09022015). Collection method: clinical testing. Allele origin: germline.
Comment: In summary, the available evidence is currently insufficient to determine the role of this variant in disease. Therefore, it has been classified as a Variant of Uncertain Significance. Algorithms developed to predict the effect of missense changes on protein structure and function (SIFT, PolyPhen-2, Align-GVGD) all suggest that this variant is likely to be disruptive, but these predictions have not been confirmed by published functional studies and their clinical significance is uncertain. This variant has not been reported in the literature in individuals with STK11-related disease. This variant is not present in population databases (ExAC no frequency). This sequence change replaces glutamine with arginine at codon 220 of the STK11 protein (p.Gln220Arg). The glutamine residue is highly conserved and there is a small physicochemical difference between glutamine and arginine.

NM_000455.5(STK11):c.659A>G (p.Gln220Arg)

Gene: STK11 (serine/threonine kinase 11; plus strand). Cytogenetic location: 19p13.3.
Variant type: single nucleotide variant.
Coding change: c.659A>G on transcript NM_000455.5 (MANE Select); coding-DNA position 659, A replaced by G.
Protein change: p.Gln220Arg; replaces glutamine 220 with arginine.
Molecular consequence: missense variant.
Genome position (GRCh38, 1-based): chr19:1,220,642, A>G. VCF-style: chr19-1220642-A-G. GRCh37 (hg19) VCF-style: chr19-1220641-A-G.
Other names: short protein forms Q220R.
Identifiers: ClinVar variation 568883 (VCV000568883.8), dbSNP rs1568708204, ClinGen allele CA402949666.
Genomic context (GRCh38, chr19:1,220,642, plus strand): 5'-CACTGCACCCGTTCGCGGCGGACGACACCTGCCGGACCAGCCAGGGCTCCCCGGCTTTCC[A>G]GCCGCCCGAGATTGCCAACGGCCTGGACACCTTCTCCGGCTTCAAGGTGGACATCTGGTC-3'
Protein context (NP_000446.1, residues 210-230): CRTSQGSPAF[Gln220Arg]PPEIANGLDT